The following is an entry in ClinVar:

NM_002098.6(GUCA1B):c.358-5G>A

Gene: GUCA1B (guanylate cyclase activator 1B; minus strand). Cytogenetic location: 6p21.1.
Variant type: single nucleotide variant.
Coding change: c.358-5G>A on transcript NM_002098.6 (MANE Select); 5 bases into the intron before coding-DNA position 358, G replaced by A.
Molecular consequence: intron variant.
Genome position (GRCh38, 1-based): chr6:42,185,802, C>T on the plus strand (G>A on the coding strand, the complement: GUCA1B is on the minus strand). VCF-style: chr6-42185802-C-T. GRCh37 (hg19) VCF-style: chr6-42153540-C-T.
Identifiers: ClinVar variation 1045789 (VCV001045789.8), dbSNP rs1768183561, ClinGen allele CA1623952440.

ClinVar aggregate classification (germline): Uncertain significance (1 of 4 stars; one submission).

gnomAD v4.1: 1 of 1,577,214 alleles (0.000063%); highest among the groups gnomAD compares: Non-Finnish European, 0.000087%; no homozygotes.

Submission:

Labcorp Genetics (formerly Invitae), Labcorp
Classification: Uncertain significance. Last evaluated: 2022-01-06. Review status: criteria provided, single submitter. Criteria: Invitae Variant Classification Sherloc (09022015). Collection method: clinical testing. Allele origin: germline.
Comment: This sequence change falls in intron 2 of the GUCA1B gene. It does not directly change the encoded amino acid sequence of the GUCA1B protein. This variant is not present in population databases (gnomAD no frequency). This variant has not been reported in the literature in individuals affected with GUCA1B-related conditions. ClinVar contains an entry for this variant (Variation ID: 1045789). Algorithms developed to predict the effect of sequence changes on RNA splicing suggest that this variant may disrupt the consensus splice site. In summary, the available evidence is currently insufficient to determine the role of this variant in disease. Therefore, it has been classified as a Variant of Uncertain Significance.